The following is an entry in ClinVar:

NM_144596.4(TTC8):c.1277A>G (p.Asn426Ser)

Gene: TTC8 (tetratricopeptide repeat domain 8; plus strand). Cytogenetic location: 14q31.3.
Variant type: single nucleotide variant.
Coding change: c.1277A>G on transcript NM_144596.4 (MANE Select); coding-DNA position 1277, A replaced by G.
Protein change: p.Asn426Ser; replaces asparagine 426 with serine.
Molecular consequence: missense variant. On other transcripts: non-coding transcript variant (1).
Genome position (GRCh38, 1-based): chr14:88,872,382, A>G. VCF-style: chr14-88872382-A-G. GRCh37 (hg19) VCF-style: chr14-89338726-A-G.
Other names: c.1247A>G (NM_198309.2); c.1277A>G (NM_144596.3); c.1325A>G, p.Asn442Ser (NM_001288781.1); c.683A>G, p.Asn228Ser (NM_001288782.1); c.560A>G, p.Asn187Ser (NM_001288783.1); c.1247A>G, p.Asn416Ser (NM_001366535.2, NM_198309.3); c.1157A>G, p.Asn386Ser (NM_001366536.2, NM_198310.3); short protein forms N187S, N386S, N228S, N442S, N416S, N426S.
Identifiers: ClinVar variation 2082072 (VCV002082072.5), dbSNP rs575952395, ClinGen allele CA7302701.

ClinVar aggregate classification (germline): Uncertain significance. Review status: criteria provided, multiple submitters, no conflicts (2 of 4 stars). 4 submissions from 4 submitters: Uncertain significance (4). Last evaluated 2026-08-17.

Conditions:
Bardet-Biedl syndrome (BBS). Identifiers: Orphanet 110, MedGen C0752166, MONDO:0015229.
Retinitis pigmentosa 51 (RP51). Identifiers: Orphanet 791, MedGen C3150715, MONDO:0013274, OMIM 613464.
Bardet-Biedl syndrome 8 (BBS8). Identifiers: Orphanet 110, MedGen C1859566, MONDO:0014436, OMIM 615985.
Inborn genetic diseases. Identifiers: MedGen C0950123, MeSH D030342.
TTC8-related disorder. Also called: TTC8-related condition.

Allele frequency attached by ClinVar (database versions not stated): ExAC 0.00002; 1000 Genomes Project 30x 0.00016; 1000 Genomes Project 0.00020.
gnomAD v4.1: 10 of 1,613,220 alleles (0.00062%); highest among the groups gnomAD compares: East Asian, 0.016%; no homozygotes.

Submissions (6):

PreventionGenetics, part of Exact Sciences
Classification: Uncertain significance for TTC8-related condition. Last evaluated: 2026-08-17. Review status: criteria provided, single submitter. Criteria: ACMG Guidelines, 2015. Collection method: clinical testing. Allele origin: germline.
Comment: The TTC8 c.1277A>G variant is predicted to result in the amino acid substitution p.Asn426Ser. To our knowledge, this variant has not been reported in the literature. This variant is reported in 0.033% of alleles in individuals of East Asian descent in gnomAD. At this time, the clinical significance of this variant is uncertain due to the absence of conclusive functional and genetic evidence.

Fulgent Genetics
Classification: Uncertain significance for Retinitis pigmentosa 51; Bardet-Biedl syndrome 8. Last evaluated: 2024-05-23. Review status: criteria provided, single submitter. Criteria: ACMG Guidelines, 2015. Collection method: clinical testing. Allele origin: germline.

Ambry Genetics
Classification: Uncertain significance for Inborn genetic diseases. Last evaluated: 2023-09-23. Review status: criteria provided, single submitter. Criteria: Ambry Variant Classification Scheme 2023. Collection method: clinical testing. Allele origin: germline.

Labcorp Genetics (formerly Invitae), Labcorp
Classification: Uncertain significance for Bardet-Biedl syndrome. Last evaluated: 2022-05-22. Review status: criteria provided, single submitter. Criteria: Invitae Variant Classification Sherloc (09022015). Collection method: clinical testing. Allele origin: germline.
Comment: This sequence change replaces asparagine, which is neutral and polar, with serine, which is neutral and polar, at codon 416 of the TTC8 protein (p.Asn416Ser). This variant is present in population databases (rs575952395, gnomAD 0.03%). This variant has not been reported in the literature in individuals affected with TTC8-related conditions. Algorithms developed to predict the effect of missense changes on protein structure and function output the following: SIFT: "Tolerated"; PolyPhen-2: "Benign"; Align-GVGD: "Class C0". The serine amino acid residue is found in multiple mammalian species, which suggests that this missense change does not adversely affect protein function. In summary, the available evidence is currently insufficient to determine the role of this variant in disease. Therefore, it has been classified as a Variant of Uncertain Significance.

Dr. Peter K. Rogan Lab, Western University
No classification provided (evidence only). Condition: Gastric cancer. Review status: no classification provided. Collection method: in vitro. Allele origin: not applicable. Functional consequence: retained intron. Not counted in ClinVar's aggregate classification.

Dr. Peter K. Rogan Lab, Western University
No classification provided (evidence only). Condition: Malignant tumor of esophagus. Review status: no classification provided. Collection method: in vitro. Allele origin: not applicable. Functional consequence: retained intron. Not counted in ClinVar's aggregate classification.